The following is an entry in ClinVar:

NM_000414.4(HSD17B4):c.1972G>A (p.Gly658Arg)

Gene: HSD17B4 (hydroxysteroid 17-beta dehydrogenase 4; plus strand). Cytogenetic location: 5q23.1.
Variant type: single nucleotide variant.
Coding change: c.1972G>A on transcript NM_000414.4 (MANE Select); coding-DNA position 1972, G replaced by A.
Protein change: p.Gly658Arg; replaces glycine 658 with arginine.
Molecular consequence: missense variant. On other transcripts: non-coding transcript variant (2).
Genome position (GRCh38, 1-based): chr5:119,531,383, G>A. VCF-style: chr5-119531383-G-A. GRCh37 (hg19) VCF-style: chr5-118867078-G-A.
Other names: c.2047G>A, p.Gly683Arg (NM_001199291.3); c.1918G>A, p.Gly640Arg (NM_001199292.2); c.1900G>A, p.Gly634Arg (NM_001292027.2, NM_001374498.1); c.1552G>A, p.Gly518Arg (NM_001292028.2); c.1963G>A, p.Gly655Arg (NM_001374497.1); c.1645G>A, p.Gly549Arg (NM_001374499.1); c.1531G>A, p.Gly511Arg (NM_001374500.1); c.1561G>A, p.Gly521Arg (NM_001374501.1, NM_001374502.1, NM_001374503.1); short protein forms G511R, G518R, G521R, G549R, G634R, G640R, G655R, G658R.
Identifiers: ClinVar variation 2571943 (VCV002571943.3), dbSNP rs772977871, ClinGen allele CA3382475.

ClinVar aggregate classification (germline): Uncertain significance. Review status: criteria provided, multiple submitters, no conflicts (2 of 4 stars). 2 submissions from 2 submitters: Uncertain significance (2). Last evaluated 2026-01-02.

Conditions:
HSD17B4-related disorder. Also called: HSD17B4-related condition; HSD17B4-related disorders.

Allele frequency attached by ClinVar (database versions not stated): gnomAD exomes below 0.00001; ExAC 0.00001; gnomAD 0.00001; TOPMed 0.00001.

Submissions (2):

PreventionGenetics, part of Exact Sciences
Classification: Uncertain significance for HSD17B4-related condition. Last evaluated: 2026-01-02. Review status: criteria provided, single submitter. Criteria: ACMG Guidelines, 2015. Collection method: clinical testing. Allele origin: germline.
Comment: The HSD17B4 c.1972G>A variant is predicted to result in the amino acid substitution p.Gly658Arg. To our knowledge, this variant has not been reported in the literature. This variant is reported in 0.0029% of alleles in individuals of Latino descent in gnomAD. At this time, the clinical significance of this variant is uncertain due to the absence of conclusive functional and genetic evidence.

GeneDx
Classification: Uncertain significance. Last evaluated: 2025-05-16. Review status: criteria provided, single submitter. Criteria: GeneDx Variant Classification Process June 2021. Collection method: clinical testing. Allele origin: germline. Affected: yes.
Comment: Not observed at significant frequency in large population cohorts (gnomAD); In silico analysis supports that this missense variant has a deleterious effect on protein structure/function; Has not been previously published as pathogenic or benign to our knowledge; In silico analysis is inconclusive as to whether the variant alters gene splicing. In the absence of RNA/functional studies, the actual effect of this sequence change is unknown